The following is an entry in ClinVar:

ClinVar aggregate classification (germline): Uncertain significance (1 of 4 stars; one submission).

Conditions:
Severe combined immunodeficiency due to DNA-PKcs deficiency. Also called: IMMUNODEFICIENCY 26 WITH NEUROLOGIC ABNORMALITIES; Immunodeficiency 26 with or without neurologic abnormalities. Identifiers: Orphanet 317425, MedGen C4014833, MONDO:0014423, OMIM 615966.

Allele frequency attached by ClinVar (database versions not stated): gnomAD exomes below 0.00001; TOPMed below 0.00001.
gnomAD v4.1: 1 of 1,614,030 alleles (0.000062%); highest among the groups gnomAD compares: Non-Finnish European, 0.000085%; no homozygotes.

Submission:

Labcorp Genetics (formerly Invitae), Labcorp
Classification: Uncertain significance for Severe combined immunodeficiency due to DNA-PKcs deficiency. Last evaluated: 2023-07-10. Review status: criteria provided, single submitter. Criteria: Invitae Variant Classification Sherloc (09022015). Collection method: clinical testing. Allele origin: germline.
Comment: This sequence change replaces asparagine, which is neutral and polar, with serine, which is neutral and polar, at codon 1385 of the PRKDC protein (p.Asn1385Ser). This variant is not present in population databases (gnomAD no frequency). This variant has not been reported in the literature in individuals affected with PRKDC-related conditions. ClinVar contains an entry for this variant (Variation ID: 1035097). Advanced modeling of protein sequence and biophysical properties (such as structural, functional, and spatial information, amino acid conservation, physicochemical variation, residue mobility, and thermodynamic stability) performed at Invitae indicates that this missense variant is expected to disrupt PRKDC protein function. In summary, the available evidence is currently insufficient to determine the role of this variant in disease. Therefore, it has been classified as a Variant of Uncertain Significance.

NM_006904.7(PRKDC):c.4154A>G (p.Asn1385Ser)

Gene: PRKDC (protein kinase, DNA-activated, catalytic subunit; minus strand). Cytogenetic location: 8q11.21.
Variant type: single nucleotide variant.
Coding change: c.4154A>G on transcript NM_006904.7 (MANE Select); coding-DNA position 4154, A replaced by G.
Protein change: p.Asn1385Ser; replaces asparagine 1385 with serine.
Molecular consequence: missense variant.
Genome position (GRCh38, 1-based): chr8:47,889,140, T>C on the plus strand (A>G on the coding strand, the complement: PRKDC is on the minus strand). VCF-style: chr8-47889140-T-C. GRCh37 (hg19) VCF-style: chr8-48801701-T-C.
Other names: c.4154A>G, p.Asn1385Ser (NM_001081640.2); short protein forms N1385S.
Identifiers: ClinVar variation 1035097 (VCV001035097.4), dbSNP rs2089400389, ClinGen allele CA371146759.
Genomic context (GRCh38, chr8:47,889,140, plus strand): 5'-GCTTTCATCAGATTCACACAAACATCAGGAAGATGAGCCATAACCTGGACGTCTCCGATG[T>C]TGAAACCTATGCTTGCGGGCTCACACAGCGTCTGCACCAGGACTCTCATCAGGTGTGTAT-3'
Protein context (NP_008835.5, residues 1375-1395): TLCEPASIGF[Asn1385Ser]IGDVQVMAHL